The following is an entry in ClinVar:

ClinVar aggregate classification (germline): Likely pathogenic (1 of 4 stars; one submission).

Submission:

Dasa
Classification: Likely pathogenic. Last evaluated: 2024-09-03. Review status: criteria provided, single submitter. Criteria: DASA Assertion Criteria. Collection method: clinical testing. Allele origin: germline.
Comment: NM_000195.5(HPS1):c.1858-2_1858-1del is a splice-region variant predicted to affect normal RNA splicing. This variant is absent from population databases. Based on the currently available evidence, this variant is classified as likely pathogenic.

NM_000195.5(HPS1):c.1858-2_1858-1del

Gene: HPS1 (HPS1 biogenesis of lysosomal organelles complex 3 subunit 1; minus strand). Cytogenetic location: 10q24.2.
Variant type: Deletion.
Coding change: c.1858-2_1858-1del on transcript NM_000195.5 (MANE Select); the canonical splice acceptor site of the intron before coding-DNA position 1858, 2 bases deleted (AG; older notation c.1858-2_1858-1delAG).
Molecular consequence: splice acceptor variant.
Genome position (GRCh38, 1-based): chr10:98,418,258-98,418,259, CT deleted on the plus strand (AG on the coding strand, the reverse complement: HPS1 is on the minus strand). VCF-style (leftmost placement, unchanged base first): chr10-98418257-CCT-C. GRCh37 (hg19) VCF-style: chr10-100178014-CCT-C.
Other names: c.1489-2_1489-1del (NM_001322483.2, NM_001322484.2); c.1597-2_1597-1del (NM_001322480.2, NM_001322481.2); c.1759-2_1759-1del (NM_001322478.2, NM_001322479.2); c.1858-2_1858-1del (NM_001322476.2, NM_001322477.2); c.1390-2_1390-1del (NM_001322485.2); c.1498-2_1498-1del (NM_001322482.2); c.886-2_886-1del (NM_001322489.2, NM_001311345.2, NM_001322487.2).
Identifiers: ClinVar variation 4880703 (VCV004880703.2).